The following is an entry in ClinVar:

NM_021076.4(NEFH):c.841C>G (p.His281Asp)

Gene: NEFH (neurofilament heavy chain; plus strand). Cytogenetic location: 22q12.2.
Variant type: single nucleotide variant.
Coding change: c.841C>G on transcript NM_021076.4 (MANE Select); coding-DNA position 841, C replaced by G.
Protein change: p.His281Asp; replaces histidine 281 with aspartic acid.
Molecular consequence: missense variant.
Genome position (GRCh38, 1-based): chr22:29,481,103, C>G. VCF-style: chr22-29481103-C-G. GRCh37 (hg19) VCF-style: chr22-29877092-C-G.
Other names: short protein forms H281D.
Identifiers: ClinVar variation 1305764 (VCV001305764.5), dbSNP rs1273432668, ClinGen allele CA411124215.

ClinVar aggregate classification (germline): Uncertain significance. Review status: criteria provided, multiple submitters, no conflicts (2 of 4 stars). 2 submissions from 2 submitters: Uncertain significance (2). Last evaluated 2025-04-03.

Allele frequency attached by ClinVar (database versions not stated): gnomAD 0.00001; gnomAD exomes 0.00001.
gnomAD v4.1: 10 of 1,531,832 alleles (0.00065%); highest among the groups gnomAD compares: Non-Finnish European, 0.00079%; no homozygotes.

Submissions (2):

Labcorp Genetics (formerly Invitae), Labcorp
Classification: Uncertain significance. Last evaluated: 2025-04-03. Review status: criteria provided, single submitter. Criteria: Invitae Variant Classification Sherloc (09022015). Collection method: clinical testing. Allele origin: germline.
Comment: This sequence change replaces histidine, which is basic and polar, with aspartic acid, which is acidic and polar, at codon 281 of the NEFH protein (p.His281Asp). This variant is not present in population databases (gnomAD no frequency). This missense change has been observed in individual(s) with amyotrophic lateral sclerosis (PMID: 37849306). ClinVar contains an entry for this variant (Variation ID: 1305764). Invitae Evidence Modeling of protein sequence and biophysical properties (such as structural, functional, and spatial information, amino acid conservation, physicochemical variation, residue mobility, and thermodynamic stability) indicates that this missense variant is not expected to disrupt NEFH protein function with a negative predictive value of 95%. In summary, the available evidence is currently insufficient to determine the role of this variant in disease. Therefore, it has been classified as a Variant of Uncertain Significance.

GeneDx
Classification: Uncertain significance. Last evaluated: 2019-05-14. Review status: criteria provided, single submitter. Criteria: GeneDx Variant Classification Process June 2021. Collection method: clinical testing. Allele origin: germline. Affected: yes.
Comment: Not observed in large population cohorts (Lek et al., 2016); In silico analysis, which includes protein predictors and evolutionary conservation, supports a deleterious effect; Has not been previously published as pathogenic or benign to our knowledge

Literature cited by the submitters: PubMed 37849306 (cited by Labcorp Genetics (formerly Invitae), Labcorp).